The following is an entry in ClinVar:

ClinVar aggregate classification (germline): Pathogenic. Review status: criteria provided, multiple submitters, no conflicts (2 of 4 stars). 2 submissions from 2 submitters: Pathogenic (2). Last evaluated 2024-04-30.

Conditions:
Baller-Gerold syndrome (BGS). Also called: CRANIOSYNOSTOSIS WITH RADIAL DEFECTS. Identifiers: Orphanet 1225, MedGen C0265308, MONDO:0009039, OMIM 218600.

Submissions (2):

Labcorp Genetics (formerly Invitae), Labcorp
Classification: Pathogenic for Baller-Gerold syndrome. Last evaluated: 2024-04-30. Review status: criteria provided, single submitter. Criteria: Invitae Variant Classification Sherloc (09022015). Collection method: clinical testing. Allele origin: germline.
Comment: This sequence change creates a premature translational stop signal (p.Gly391Argfs*15) in the RECQL4 gene. It is expected to result in an absent or disrupted protein product. Loss-of-function variants in RECQL4 are known to be pathogenic (PMID: 12734318, 12952869). Information on the frequency of this variant in the gnomAD database is not available, as this variant may be reported differently in the database. This variant has not been reported in the literature in individuals affected with RECQL4-related conditions. For these reasons, this variant has been classified as Pathogenic.

GeneDx
Classification: Pathogenic. Last evaluated: 2023-10-20. Review status: criteria provided, single submitter. Criteria: GeneDx Variant Classification Process June 2021. Collection method: clinical testing. Allele origin: germline. Affected: yes.
Comment: Frameshift variant predicted to result in protein truncation or nonsense mediated decay in a gene for which loss-of-function is a known mechanism of disease; Not observed at significant frequency in large population cohorts (gnomAD); Has not been previously published as pathogenic or benign to our knowledge

Literature cited by the submitters: PubMed 12734318 (cited by Labcorp Genetics (formerly Invitae), Labcorp); PubMed 12952869 (cited by Labcorp Genetics (formerly Invitae), Labcorp).

NC_000008.11:g.144515850_144515851delinsG

Gene: RECQL4 (RecQ like helicase 4; minus strand). Cytogenetic location: 8q24.3.
Variant type: Indel.
Genome position: GRCh38 VCF-style: chr8-144515850-CC-G. GRCh37 (hg19) VCF-style: chr8-145741234-CC-G.
Identifiers: ClinVar variation 577898 (VCV000577898.4), dbSNP rs1564804342, ClinGen allele CA891842671.